The following is an entry in ClinVar:

NM_001170700.3(DTHD1):c.1306A>G (p.Lys436Glu)

Gene: DTHD1 (death domain containing 1; plus strand). Cytogenetic location: 4p14.
Variant type: single nucleotide variant.
Coding change: c.1306A>G on transcript NM_001170700.3 (MANE Select); coding-DNA position 1306, A replaced by G.
Protein change: p.Lys436Glu; replaces lysine 436 with glutamic acid.
Molecular consequence: missense variant. On other transcripts: non-coding transcript variant (2).
Genome position (GRCh38, 1-based): chr4:36,293,613, A>G. VCF-style: chr4-36293613-A-G. GRCh37 (hg19) VCF-style: chr4-36295235-A-G.
Other names: c.436A>G, p.Lys146Glu (NM_001136536.5); c.373A>G, p.Lys125Glu (NM_001378435.1); c.931A>G (NM_001170700.1); short protein forms K125E, K146E, K436E.
Identifiers: ClinVar variation 1009586 (VCV001009586.8), dbSNP rs754906230, ClinGen allele CA2885626.
Genomic context (GRCh38, chr4:36,293,613, plus strand): 5'-AAATTGGGTATCTTTTCTGTTGTGTCTTGTTTAAAGAAAGAGTCGTTCACAGTAACAAAG[A>G]AAGGCCTCGCTCTTAAGTCAAGCATGGATTCCCGAATATCCTTAAATTACCCTCCAGGAG-3'
Protein context (NP_001164171.2, residues 426-446): LKKESFTVTK[Lys436Glu]GLALKSSMDS

ClinVar aggregate classification (germline): Uncertain significance. Review status: criteria provided, multiple submitters, no conflicts (2 of 4 stars). 3 submissions from 3 submitters: Uncertain significance (2). 1 of the submissions does not count toward it. Last evaluated 2025-05-02.

Conditions:
Retinal dystrophy. Also called: Inherited retinal dystrophy. Identifiers: Orphanet 71862, MedGen C0854723, MeSH D058499, MONDO:0019118, HP:0000556.

Allele frequency attached by ClinVar (database versions not stated): ExAC 0.00005; gnomAD exomes 0.00006 and 0.00017; TOPMed 0.00007; gnomAD 0.00009.
gnomAD v4.1: 250 of 1,549,532 alleles (0.016%); highest among the groups gnomAD compares: Non-Finnish European, 0.021%; no homozygotes.

Submissions (3):

Labcorp Genetics (formerly Invitae), Labcorp
Classification: Uncertain significance. Last evaluated: 2025-05-02. Review status: criteria provided, single submitter. Criteria: Invitae Variant Classification Sherloc (09022015). Collection method: clinical testing. Allele origin: germline.
Comment: This sequence change replaces lysine, which is basic and polar, with glutamic acid, which is acidic and polar, at codon 146 of the DTHD1 protein (p.Lys146Glu). This variant is present in population databases (rs754906230, gnomAD 0.01%). This variant has not been reported in the literature in individuals affected with DTHD1-related conditions. ClinVar contains an entry for this variant (Variation ID: 1009586). An algorithm developed to predict the effect of missense changes on protein structure and function (PolyPhen-2) suggests that this variant is likely to be tolerated. In summary, the available evidence is currently insufficient to determine the role of this variant in disease. Therefore, it has been classified as a Variant of Uncertain Significance.

Ambry Genetics
Classification: Uncertain significance. Last evaluated: 2024-09-27. Review status: criteria provided, single submitter. Criteria: Ambry Variant Classification Scheme 2023. Collection method: clinical testing. Allele origin: germline.

Institute of Human Genetics, Univ. Regensburg, Univ. Regensburg
Classification: Uncertain significance for Retinal dystrophy. Last evaluated: 2022-01-01. Review status: no assertion criteria provided. Criteria: ACMG Guidelines, 2015. Collection method: clinical testing. Allele origin: germline. Affected: yes. Not counted in ClinVar's aggregate classification.